The following is an entry in ClinVar:

ClinVar aggregate classification (germline): Uncertain significance. Review status: criteria provided, multiple submitters, no conflicts (2 of 4 stars). 2 submissions from 2 submitters: Uncertain significance (2). Last evaluated 2026-01-18.

Allele frequency attached by ClinVar (database versions not stated): ExAC 0.00001.
gnomAD v4.1: 17 of 1,613,274 alleles (0.0011%); highest among the groups gnomAD compares: Middle Eastern, 0.016%; no homozygotes.

Submissions (2):

Labcorp Genetics (formerly Invitae), Labcorp
Classification: Uncertain significance. Last evaluated: 2026-01-18. Review status: criteria provided, single submitter. Criteria: Invitae Variant Classification Sherloc (09022015). Collection method: clinical testing. Allele origin: germline.
Comment: This sequence change replaces proline, which is neutral and non-polar, with leucine, which is neutral and non-polar, at codon 384 of the CFH protein (p.Pro384Leu). This variant is present in population databases (rs747364631, gnomAD 0.002%). This variant has not been reported in the literature in individuals affected with CFH-related conditions. ClinVar contains an entry for this variant (Variation ID: 1717810). An algorithm developed to predict the effect of missense changes on protein structure and function (PolyPhen-2) suggests that this variant is likely to be disruptive. In summary, the available evidence is currently insufficient to determine the role of this variant in disease. Therefore, it has been classified as a Variant of Uncertain Significance.

Women's Health and Genetics/Laboratory Corporation of America, LabCorp
Classification: Uncertain significance. Last evaluated: 2024-02-06. Review status: criteria provided, single submitter. Criteria: LabCorp Variant Classification Summary - May 2015. Collection method: clinical testing. Allele origin: germline.
Comment: Variant summary: CFH c.1151C>T (p.Pro384Leu) results in a non-conservative amino acid change located in the Sushi/SCR/CCP domain (IPR000436) of the encoded protein sequence. Four of five in-silico tools predict a benign effect of the variant on protein function. The variant allele was found at a frequency of 4e-06 in 249890 control chromosomes. The available data on variant occurrences in the general population are insufficient to allow any conclusion about variant significance. To our knowledge, no occurrence of c.1151C>T in individuals affected with CFH-Related Disorders and no experimental evidence demonstrating its impact on protein function have been reported. ClinVar contains an entry for this variant (Variation ID: 1717810). Based on the evidence outlined above, the variant was classified as uncertain significance.

NM_000186.4(CFH):c.1151C>T (p.Pro384Leu)

Gene: CFH (complement factor H; plus strand). Cytogenetic location: 1q31.3.
Variant type: single nucleotide variant.
Coding change: c.1151C>T on transcript NM_000186.4 (MANE Select); coding-DNA position 1151, C replaced by T.
Protein change: p.Pro384Leu; replaces proline 384 with leucine.
Molecular consequence: missense variant.
Genome position (GRCh38, 1-based): chr1:196,689,606, C>T. VCF-style: chr1-196689606-C-T. GRCh37 (hg19) VCF-style: chr1-196658736-C-T.
Other names: c.1151C>T, p.Pro384Leu (NM_001014975.3); short protein forms P384L.
Identifiers: ClinVar variation 1717810 (VCV001717810.7), dbSNP rs747364631, ClinGen allele CA1305248.